The following is an entry in ClinVar:

NM_201384.3(PLEC):c.8005C>G (p.Leu2669Val)

Gene: PLEC (plectin; minus strand). Cytogenetic location: 8q24.3.
Variant type: single nucleotide variant.
Coding change: c.8005C>G on transcript NM_201384.3 (MANE Select); coding-DNA position 8005, C replaced by G.
Protein change: p.Leu2669Val; replaces leucine 2669 with valine.
Molecular consequence: missense variant.
Genome position (GRCh38, 1-based): chr8:143,921,816, G>C on the plus strand (C>G on the coding strand, the complement: PLEC is on the minus strand). VCF-style: chr8-143921816-G-C. GRCh37 (hg19) VCF-style: chr8-144995984-G-C.
Other names: c.8086C>G (NM_000445.3); c.8086C>G, p.Leu2696Val (NM_000445.5); c.7963C>G, p.Leu2655Val (NM_201378.4); c.7939C>G, p.Leu2647Val (NM_201379.3); c.8416C>G, p.Leu2806Val (NM_201380.4); c.7909C>G, p.Leu2637Val (NM_201381.3); c.8005C>G, p.Leu2669Val (NM_201382.4); c.8017C>G, p.Leu2673Val (NM_201383.3); short protein forms L2673V, L2637V, L2669V, L2696V, L2806V, L2655V, L2647V.
Identifiers: ClinVar variation 1398431 (VCV001398431.10), dbSNP rs376154528, ClinGen allele CA372520388.

ClinVar aggregate classification (germline): Uncertain significance. Review status: criteria provided, multiple submitters, no conflicts (2 of 4 stars). 2 submissions from 2 submitters: Uncertain significance (2). Last evaluated 2023-02-28.

Conditions:
Epidermolysis bullosa simplex 5C, with pyloric atresia (EBS5C). Also called: Epidermolysis bullosa simplex with pyloric atresia; PLEC-Related Epidermolysis Bullosa with Pyloric Atresia; PLEC1-Related Epidermolysis Bullosa with Pyloric Atresia. Identifiers: Orphanet 158684, MedGen C2677349, MONDO:0012807, OMIM 612138.
Epidermolysis bullosa simplex with nail dystrophy (EBS5D). Identifiers: MedGen C4225309, MONDO:0014661, OMIM 616487.
Epidermolysis bullosa simplex 5B, with muscular dystrophy (EBS5B). Also called: Epidermolysis bullosa simplex with muscular dystrophy; EPIDERMOLYSIS BULLOSA SIMPLEX AND LIMB-GIRDLE MUSCULAR DYSTROPHY. Identifiers: Orphanet 257, MedGen C2931072, MONDO:0009181, OMIM 226670.
Autosomal recessive limb-girdle muscular dystrophy type 2Q (LGMDR17). Also called: MUSCULAR DYSTROPHY, LIMB-GIRDLE, AUTOSOMAL RECESSIVE 17. Identifiers: Orphanet 254361, MedGen C3150989, MONDO:0013390, OMIM 613723.
Epidermolysis bullosa simplex, Ogna type (EBS5A). Also called: Pidermolysis bullosa simplex 5A, Ogna type; EPIDERMOLYSIS BULLOSA SIMPLEX 5A, OGNA TYPE. Identifiers: Orphanet 79401, MedGen C0432317, MONDO:0007555, OMIM 131950.
Inborn genetic diseases. Identifiers: MedGen C0950123, MeSH D030342.

Allele frequency attached by ClinVar (database versions not stated): gnomAD 0.00001.
gnomAD v4.1: 4 of 1,608,324 alleles (0.00025%); highest among the groups gnomAD compares: African/African-American, 0.0013%; no homozygotes.

Submissions (2):

Ambry Genetics
Classification: Uncertain significance for Inborn genetic diseases. Last evaluated: 2023-02-28. Review status: criteria provided, single submitter. Criteria: Ambry Variant Classification Scheme 2023. Collection method: clinical testing. Allele origin: germline.

Labcorp Genetics (formerly Invitae), Labcorp
Classification: Uncertain significance for Autosomal recessive limb-girdle muscular dystrophy type 2Q; Epidermolysis bullosa simplex, Ogna type; Epidermolysis bullosa simplex with nail dystrophy; Epidermolysis bullosa simplex 5C, with pyloric atresia; Epidermolysis bullosa simplex 5B, with muscular dystrophy. Last evaluated: 2021-11-26. Review status: criteria provided, single submitter. Criteria: Invitae Variant Classification Sherloc (09022015). Collection method: clinical testing. Allele origin: germline.
Comment: This sequence change replaces leucine, which is neutral and non-polar, with valine, which is neutral and non-polar, at codon 2696 of the PLEC protein (p.Leu2696Val). This variant is not present in population databases (gnomAD no frequency). This variant has not been reported in the literature in individuals affected with PLEC-related conditions. Algorithms developed to predict the effect of missense changes on protein structure and function (SIFT, PolyPhen-2, Align-GVGD) all suggest that this variant is likely to be tolerated. Algorithms developed to predict the effect of sequence changes on RNA splicing suggest that this variant may create or strengthen a splice site. In summary, the available evidence is currently insufficient to determine the role of this variant in disease. Therefore, it has been classified as a Variant of Uncertain Significance.